The following is an entry in ClinVar:

NM_016239.4(MYO15A):c.8816G>A (p.Arg2939His)

Gene: MYO15A (myosin XVA; plus strand). Cytogenetic location: 17p11.2.
Variant type: single nucleotide variant.
Coding change: c.8816G>A on transcript NM_016239.4 (MANE Select); coding-DNA position 8816, G replaced by A.
Protein change: p.Arg2939His; replaces arginine 2939 with histidine.
Molecular consequence: missense variant.
Genome position (GRCh38, 1-based): chr17:18,157,749, G>A. VCF-style: chr17-18157749-G-A. GRCh37 (hg19) VCF-style: chr17-18061063-G-A.
Other names: short protein forms R2939H.
Identifiers: ClinVar variation 322173 (VCV000322173.18), dbSNP rs377389290, ClinGen allele CA8425281.

ClinVar aggregate classification (germline): Conflicting classifications of pathogenicity. Review status: criteria provided, conflicting classifications (1 of 4 stars). 6 submissions from 6 submitters: Uncertain significance (3); Likely benign (3). Last evaluated 2026-03-05.

Conditions:
MYO15A-related disorder. Also called: MYO15A-related condition.
Inborn genetic diseases. Identifiers: MedGen C0950123, MeSH D030342.
Autosomal recessive nonsyndromic hearing loss 3. Also called: NEUROSENSORY NONSYNDROMIC RECESSIVE DEAFNESS 3. Identifiers: Orphanet 90636, MedGen C1838263, MONDO:0010860, OMIM 600316.

Allele frequency attached by ClinVar (database versions not stated): ESP Exome Variant Server 0.00008; gnomAD 0.00009; gnomAD exomes 0.00009 and 0.00017; ExAC 0.00011; TOPMed 0.00011.
gnomAD v4.1: 148 of 1,606,240 alleles (0.0092%); highest among the groups gnomAD compares: South Asian, 0.0088%; no homozygotes.

Submissions (6):

PreventionGenetics, part of Exact Sciences
Classification: Likely benign for MYO15A-related condition. Last evaluated: 2026-03-05. Review status: criteria provided, single submitter. Criteria: ACMG Guidelines, 2015. Collection method: clinical testing. Allele origin: germline.
Comment: This variant is classified as likely benign based on ACMG/AMP sequence variant interpretation guidelines (Richards et al. 2015 PMID: 25741868, with internal and published modifications).

Labcorp Genetics (formerly Invitae), Labcorp
Classification: Likely benign. Last evaluated: 2026-01-19. Review status: criteria provided, single submitter. Criteria: Invitae Variant Classification Sherloc (09022015). Collection method: clinical testing. Allele origin: germline.

GeneDx
Classification: Uncertain significance. Last evaluated: 2022-03-07. Review status: criteria provided, single submitter. Criteria: GeneDx Variant Classification Process June 2021. Collection method: clinical testing. Allele origin: germline. Affected: yes.
Comment: In silico analysis supports that this missense variant has a deleterious effect on protein structure/function; Has not been previously published as pathogenic or benign to our knowledge

Ambry Genetics
Classification: Uncertain significance for Inborn genetic diseases. Last evaluated: 2021-10-06. Review status: criteria provided, single submitter. Criteria: Ambry Variant Classification Scheme 2023. Collection method: clinical testing. Allele origin: germline.

Illumina Laboratory Services, Illumina
Classification: Uncertain significance for Autosomal recessive nonsyndromic hearing loss 3. Last evaluated: 2018-01-13. Review status: criteria provided, single submitter. Criteria: ICSL Variant Classification Criteria 13 December 2019. Collection method: clinical testing. Allele origin: germline.

Laboratory for Molecular Medicine, Mass General Brigham Personalized Medicine
Classification: Likely benign. Last evaluated: 2016-06-02. Review status: criteria provided, single submitter. Criteria: LMM Criteria. Collection method: clinical testing. Allele origin: germline. Observed: 1 variant allele.
Comment: p.Arg2939His in exon 51 of MYO15A: This variant is not expected to have clinical significance due to a lack of conservation across species, including mammals. O f note, the Egyptian jerboa, aardvark, and platypus have a histidine (His) at t his position despite high nearby amino acid conservation. It has been identified in 4/16426 of South Asian chromosomes by the Exome Aggregation Consortium (ExAC; dbSNP rs377389290).